The following is an entry in ClinVar:

ClinVar aggregate classification (germline): Uncertain significance (1 of 4 stars; one submission).

Allele frequency attached by ClinVar (database versions not stated): gnomAD exomes below 0.00001.
gnomAD v4.1: 1 of 1,609,822 alleles (0.000062%); highest among the groups gnomAD compares: African/African-American, 0.0013%; no homozygotes.

Submission:

Labcorp Genetics (formerly Invitae), Labcorp
Classification: Uncertain significance. Last evaluated: 2022-05-06. Review status: criteria provided, single submitter. Criteria: Invitae Variant Classification Sherloc (09022015). Collection method: clinical testing. Allele origin: germline.
Comment: This variant has not been reported in the literature in individuals affected with KIZ-related conditions. In summary, the available evidence is currently insufficient to determine the role of this variant in disease. Therefore, it has been classified as a Variant of Uncertain Significance. Experimental studies and prediction algorithms are not available or were not evaluated, and the functional significance of this variant is currently unknown. This sequence change replaces serine, which is neutral and polar, with threonine, which is neutral and polar, at codon 503 of the KIZ protein (p.Ser503Thr). This variant is not present in population databases (gnomAD no frequency).

NM_018474.6(KIZ):c.1508G>C (p.Ser503Thr)

Genes: KIZ (kizuna centrosomal protein; plus strand), KIZ-AS1 (KIZ antisense RNA 1; minus strand). Cytogenetic location: 20p11.23.
Variant type: single nucleotide variant.
Coding change: c.1508G>C on transcript NM_018474.6 (MANE Select); coding-DNA position 1508, G replaced by C.
Protein change: p.Ser503Thr; replaces serine 503 with threonine.
Molecular consequence: missense variant.
Genome position (GRCh38, 1-based): chr20:21,214,596, G>C. VCF-style: chr20-21214596-G-C. GRCh37 (hg19) VCF-style: chr20-21195234-G-C.
Other names: c.1199G>C, p.Ser400Thr (NM_001163022.3); c.1109G>C, p.Ser370Thr (NM_001163023.3); c.1361G>C, p.Ser454Thr (NM_001276389.2); c.1454G>C, p.Ser485Thr (NM_001352434.2); c.1145G>C, p.Ser382Thr (NM_001352435.2); c.1166G>C, p.Ser389Thr (NM_001352436.2); short protein forms S485T, S503T, S389T, S454T, S370T, S400T, S382T.
Identifiers: ClinVar variation 2134567 (VCV002134567.4), dbSNP rs2514837274, ClinGen allele CA408490696.